The following is an entry in ClinVar:

ClinVar aggregate classification (germline): Conflicting classifications of pathogenicity. Review status: criteria provided, conflicting classifications (1 of 4 stars). 4 submissions from 4 submitters: Uncertain significance (2); Benign (1); Likely benign (1). Last evaluated 2026-08-04.

Conditions:
RP1L1-related disorder. Also called: RP1L1-related condition.
Occult macular dystrophy (OCMD). Also called: OMD; OCCULT MACULAR DYSTROPHY, SUSCEPTIBILITY TO. Identifiers: Orphanet 247834, MedGen C3150833, MONDO:0013316, OMIM 613587, HP:0030636.

Allele frequency attached by ClinVar (database versions not stated): ExAC 0.00059; gnomAD exomes 0.00061 and 0.00103; gnomAD 0.00070 and 0.00073; ESP Exome Variant Server 0.00071; TOPMed 0.00096; 1000 Genomes Project 0.00020; 1000 Genomes Project 30x 0.00031.
gnomAD v4.1: 1,608 of 1,614,214 alleles (0.1%); highest among the groups gnomAD compares: Non-Finnish European, 0.12%; 1 homozygote.

Submissions (4):

PreventionGenetics, part of Exact Sciences
Classification: Uncertain significance for RP1L1-related condition. Last evaluated: 2026-08-04. Review status: criteria provided, single submitter. Criteria: ACMG Guidelines, 2015. Collection method: clinical testing. Allele origin: germline.
Comment: The RP1L1 c.5452G>A variant is predicted to result in the amino acid substitution p.Ala1818Thr. This variant has been reported in a single individual with retinal or optic nerve disease; however, no additional studies were done to assess its pathogenicity (Table S12, Diñeiro et al. 2020. PubMed ID: 32483926). This variant is reported in 0.099% of alleles in individuals of European (Non-Finnish) descent in gnomAD. Although we suspect that this variant may be benign, at this time, the clinical significance of this variant is uncertain due to the absence of conclusive functional and genetic evidence.

Blueprint Genetics
Classification: Likely benign. Last evaluated: 2024-11-08. Review status: criteria provided, single submitter. Criteria: ACMG Guidelines, 2015. Collection method: clinical testing. Allele origin: germline.

Illumina Laboratory Services, Illumina
Classification: Benign for Occult macular dystrophy. Last evaluated: 2018-01-13. Review status: criteria provided, single submitter. Criteria: ICSL Variant Classification Criteria 13 December 2019. Collection method: clinical testing. Allele origin: germline.
Comment: This variant was observed in the ICSL laboratory as part of a predisposition screen in an ostensibly healthy population. It had not been previously curated by ICSL or reported in the Human Gene Mutation Database (HGMD: prior to June 1st, 2018), and was therefore a candidate for classification through an automated scoring system. Utilizing variant allele frequency, disease prevalence and penetrance estimates, and inheritance mode, an automated score was calculated to assess if this variant is too frequent to cause the disease. Based on the score and internal cut-off values, a variant classified as benign is not then subjected to further curation. The score for this variant resulted in a classification of benign for this disease.

CeGaT Center for Human Genetics Tuebingen
Classification: Uncertain significance. Last evaluated: 2016-09-01. Review status: criteria provided, single submitter. Criteria: CeGaT Center For Human Genetics Tuebingen Variant Classification Criteria Version 2. Collection method: clinical testing. Allele origin: germline. Affected: yes. Observed: 2 variant alleles.

NM_178857.6(RP1L1):c.5452G>A (p.Ala1818Thr)

Gene: RP1L1 (RP1 like 1). Cytogenetic location: 8p23.1.
Variant type: single nucleotide variant.
Coding change: c.5452G>A on transcript NM_178857.6 (MANE Select); coding-DNA position 5452, G replaced by A.
Protein change: p.Ala1818Thr; replaces alanine 1818 with threonine.
Molecular consequence: missense variant.
Genome position (GRCh38, 1-based): chr8:10,608,646, C>T on the plus strand (G>A on the coding strand, the complement: RP1L1 is on the minus strand). VCF-style: chr8-10608646-C-T. GRCh37 (hg19) VCF-style: chr8-10466156-C-T.
Other names: short protein forms A1818T.
Identifiers: ClinVar variation 374603 (VCV000374603.49), dbSNP rs199701906, ClinGen allele CA4623646.